The following is an entry in ClinVar:

NM_014727.3(KMT2B):c.6223G>A (p.Val2075Met)

Gene: KMT2B (lysine methyltransferase 2B; plus strand). Cytogenetic location: 19q13.12.
Variant type: single nucleotide variant.
Coding change: c.6223G>A on transcript NM_014727.3 (MANE Select); coding-DNA position 6223, G replaced by A.
Protein change: p.Val2075Met; replaces valine 2075 with methionine.
Molecular consequence: missense variant.
Genome position (GRCh38, 1-based): chr19:35,732,772, G>A. VCF-style: chr19-35732772-G-A. GRCh37 (hg19) VCF-style: chr19-36223673-G-A.
Other names: short protein forms V2075M.
Identifiers: ClinVar variation 4883595 (VCV004883595.3).
Genomic context (GRCh38, chr19:35,732,772, plus strand): 5'-GCCCCCCGCATTGAACAGCTGGACGGCGTGGACGACGGCACTGACAGTGAGGCTGAGGCG[G>A]TGCAGCAGCCTCGGGGCCAGGGCACGCCTCCTTCGGGGCCAGGAGTAGTCCGGGCAGGGG-3'
Protein context (NP_055542.1, residues 2065-2085): DDGTDSEAEA[Val2075Met]QQPRGQGTPP

ClinVar aggregate classification (germline): Uncertain significance. Review status: criteria provided, multiple submitters, no conflicts (2 of 4 stars). 2 submissions from 2 submitters: Uncertain significance (2). Last evaluated 2026-08-06.

Conditions:
Dystonia 28, childhood-onset (DYT28). Also called: KMT2B-Related Dystonia (DYT-KMT2B). Identifiers: Orphanet 589618, MedGen C4310633, MONDO:0015004, OMIM 617284.

Submissions (2):

OLLIN Analises Genomicas, OLLIN
Classification: Uncertain significance for Dystonia 28, childhood-onset. Last evaluated: 2026-08-06. Review status: criteria provided, single submitter. Criteria: ACMG Guidelines 2015 PMID 25741868. Collection method: clinical testing. Allele origin: germline. Inheritance: Autosomal dominant inheritance.
Comment: This missense variant, located in exon 28 (of 37), is absent from gnomAD and ClinVar and has not been identified in the literature. In silico analysis predicts that this variant has a tolerated effect. According to the currently available evidence, this variant has been classified as uncertain significance (PM2_P, BP4).

Dasa
Classification: Uncertain significance. Last evaluated: 2025-11-03. Review status: criteria provided, single submitter. Criteria: DASA Assertion Criteria. Collection method: clinical testing. Allele origin: germline.
Comment: NM_014727.3(KMT2B):c.6223G>A (p.Val2075Met) is a missense variant that results in the substitution of valine with methionine. This variant is rare in population databases. The currently available literature and clinical evidence are not sufficient to establish a definitive association between this variant and the reported condition. Therefore, this variant is classified as a variant of uncertain significance.